The following is an entry in ClinVar:

NM_001048174.2(MUTYH):c.607-4C>T

Gene: MUTYH (mutY DNA glycosylase; minus strand). Cytogenetic location: 1p34.1.
Variant type: single nucleotide variant.
Coding change: c.607-4C>T on transcript NM_001048174.2 (MANE Select); 4 bases into the intron before coding-DNA position 607, C replaced by T.
Molecular consequence: intron variant.
Genome position (GRCh38, 1-based): chr1:45,332,492, G>A on the plus strand (C>T on the coding strand, the complement: MUTYH is on the minus strand). VCF-style: chr1-45332492-G-A. GRCh37 (hg19) VCF-style: chr1-45798164-G-A.
Other names: c.262-4C>T (NM_001350651.2, NM_001350650.2); c.331-4C>T (NM_001293192.2, NM_001293196.2); c.607-4C>T (NM_001048171.2, NM_001048173.2, NM_001293195.2); c.652-4C>T (NM_001293190.2); c.682-4C>T (NM_012222.3); c.691-4C>T (NM_001128425.2); c.610-4C>T (NM_001048172.2); c.640-4C>T (NM_001293191.2).
Identifiers: ClinVar variation 630970 (VCV000630970.19), dbSNP rs1557474961, ClinGen allele CA913187512.

ClinVar aggregate classification (germline): Likely benign. Review status: criteria provided, multiple submitters, no conflicts (2 of 4 stars). 4 submissions from 4 submitters: Likely benign (4). Last evaluated 2025-07-23.

Conditions:
Hereditary cancer-predisposing syndrome. Also called: Neoplastic Syndromes, Hereditary; Hereditary Cancer Syndrome; Tumor predisposition; Hereditary neoplastic syndrome. Identifiers: Orphanet 140162, MedGen C0027672, MeSH D009386, MONDO:0015356.
Familial adenomatous polyposis 2. Also called: COLORECTAL ADENOMATOUS POLYPOSIS, AUTOSOMAL RECESSIVE; ADENOMAS, MULTIPLE COLORECTAL, AUTOSOMAL RECESSIVE; MUTYH-associated polyposis; MUTYH-related attenuated familial adenomatous polyposis; MUTYH Polyposis; Adenomas, multiple colorectal. Identifiers: Orphanet 220460, Orphanet 247798, MedGen C3272841, MONDO:0012041, OMIM 608456.

Allele frequency attached by ClinVar (database versions not stated): gnomAD exomes below 0.00001.

Submissions (4):

Ambry Genetics
Classification: Likely benign for Hereditary cancer-predisposing syndrome. Last evaluated: 2025-07-23. Review status: criteria provided, single submitter. Criteria: Ambry Variant Classification Scheme 2023. Collection method: clinical testing. Allele origin: germline.

All of Us Research Program, National Institutes of Health
Classification: Likely benign for Familial adenomatous polyposis 2. Last evaluated: 2023-11-20. Review status: criteria provided, single submitter. Criteria: ACMG Guidelines, 2015. Collection method: clinical testing. Allele origin: germline. Inheritance: Autosomal recessive inheritance. Observed: 1 variant allele, 1 heterozygote.
Comment: This study involves interpretation of variants in research participants for the purpose of population health screening. Participant phenotype was not available at the time of variant classification. Additional details can be found in publication PMID: 35346344, PMCID: PMC8962531

Labcorp Genetics (formerly Invitae), Labcorp
Classification: Likely benign for Familial adenomatous polyposis 2. Last evaluated: 2022-09-30. Review status: criteria provided, single submitter. Criteria: Invitae Variant Classification Sherloc (09022015). Collection method: clinical testing. Allele origin: germline.

Color Diagnostics, LLC DBA Color Health
Classification: Likely benign for Hereditary cancer-predisposing syndrome. Last evaluated: 2017-12-11. Review status: criteria provided, single submitter. Criteria: ACMG Guidelines, 2015. Collection method: clinical testing. Allele origin: germline.